The following is an entry in ClinVar:

NM_004204.5(PIGQ):c.1127C>T (p.Ser376Leu)

Gene: PIGQ (phosphatidylinositol glycan anchor biosynthesis class Q; plus strand). Cytogenetic location: 16p13.3.
Variant type: single nucleotide variant.
Coding change: c.1127C>T on transcript NM_004204.5 (MANE Select); coding-DNA position 1127, C replaced by T.
Protein change: p.Ser376Leu; replaces serine 376 with leucine.
Molecular consequence: missense variant.
Genome position (GRCh38, 1-based): chr16:578,842, C>T. VCF-style: chr16-578842-C-T. GRCh37 (hg19) VCF-style: chr16-628842-C-T.
Other names: c.1127C>T, p.Ser376Leu (NM_148920.4); short protein forms S376L.
Identifiers: ClinVar variation 2184501 (VCV002184501.2), dbSNP rs752737257, ClinGen allele CA7780127.

ClinVar aggregate classification (germline): Uncertain significance (1 of 4 stars; one submission).

Conditions:
Epilepsy. Also called: Seizure disorder. Identifiers: MedGen C0014544, MeSH D004827, MONDO:0005027.

Allele frequency attached by ClinVar (database versions not stated): TOPMed 0.00001; ExAC 0.00002; gnomAD exomes 0.00002.
gnomAD v4.1: 34 of 1,613,814 alleles (0.0021%); highest among the groups gnomAD compares: South Asian, 0.0088%; no homozygotes.

Submission:

Labcorp Genetics (formerly Invitae), Labcorp
Classification: Uncertain significance for Epilepsy. Last evaluated: 2023-08-10. Review status: criteria provided, single submitter. Criteria: Invitae Variant Classification Sherloc (09022015). Collection method: clinical testing. Allele origin: germline.
Comment: This sequence change replaces serine, which is neutral and polar, with leucine, which is neutral and non-polar, at codon 376 of the PIGQ protein (p.Ser376Leu). This variant is present in population databases (rs752737257, gnomAD 0.01%). This variant has not been reported in the literature in individuals affected with PIGQ-related conditions. ClinVar contains an entry for this variant (Variation ID: 2184501). An algorithm developed to predict the effect of missense changes on protein structure and function (PolyPhen-2) suggests that this variant is likely to be disruptive. In summary, the available evidence is currently insufficient to determine the role of this variant in disease. Therefore, it has been classified as a Variant of Uncertain Significance.